The following is an entry in ClinVar:

NM_032444.4(SLX4):c.2960T>C (p.Phe987Ser)

Gene: SLX4 (SLX4 structure-specific endonuclease subunit; minus strand). Cytogenetic location: 16p13.3.
Variant type: single nucleotide variant.
Coding change: c.2960T>C on transcript NM_032444.4 (MANE Select); coding-DNA position 2960, T replaced by C.
Protein change: p.Phe987Ser; replaces phenylalanine 987 with serine.
Molecular consequence: missense variant.
Genome position (GRCh38, 1-based): chr16:3,590,678, A>G on the plus strand (T>C on the coding strand, the complement: SLX4 is on the minus strand). VCF-style: chr16-3590678-A-G. GRCh37 (hg19) VCF-style: chr16-3640679-A-G.
Other names: short protein forms F987S.
Identifiers: ClinVar variation 1692009 (VCV001692009.2), dbSNP rs2040576468, ClinGen allele CA394522398.

ClinVar aggregate classification (germline): Uncertain significance. Review status: criteria provided, multiple submitters, no conflicts (2 of 4 stars). 2 submissions from 2 submitters: Uncertain significance (2). Last evaluated 2025-09-25.

Conditions:
Inborn genetic diseases. Identifiers: MedGen C0950123, MeSH D030342.
Fanconi anemia (FA). Also called: Fanconi's anemia. Identifiers: Orphanet 84, MedGen C0015625, MeSH D005199, MONDO:0019391.

Allele frequency attached by ClinVar (database versions not stated): TOPMed below 0.00001.

Submissions (2):

Ambry Genetics
Classification: Uncertain significance for Inborn genetic diseases. Last evaluated: 2025-09-25. Review status: criteria provided, single submitter. Criteria: Ambry Variant Classification Scheme 2023. Collection method: clinical testing. Allele origin: germline.

Sema4
Classification: Uncertain significance for Fanconi anemia. Last evaluated: 2021-06-18. Review status: criteria provided, single submitter. Criteria: Sema4 Curation Guidelines. Collection method: curation. Allele origin: germline.
Comment: The SLX4 c.2960T>C (p.F987S) variant has not been reported in the literature to our knowledge. It was not observed in the large and broad cohorts of the Genome Aggregation Database. The variant has not been reported in ClinVar. In silico tools suggest the impact of the variant on protein function is inconclusive, though these predictions have not been confirmed by functional studies. The evidence is insufficient to meet ACMG/AMP criteria for classifying the variant as benign or pathogenic. Thus, the clinical significance of this variant is currently uncertain.